The following is an entry in ClinVar:

NM_012233.3(RAB3GAP1):c.513del (p.His171fs)

Gene: RAB3GAP1 (RAB3 GTPase activating protein catalytic subunit 1; plus strand). Cytogenetic location: 2q21.3.
Variant type: Deletion.
Coding change: c.513del on transcript NM_012233.3 (MANE Select); coding-DNA position 513, one base deleted (C; older notation c.513delC).
Protein change: p.His171fs; shifts the reading frame from histidine 171.
Molecular consequence: frameshift variant.
Genome position (GRCh38, 1-based): chr2:135,115,246, C deleted. VCF-style (leftmost placement, unchanged base first): chr2-135115245-AC-A. GRCh37 (hg19) VCF-style: chr2-135872815-AC-A.
Other names: c.513del, p.His171fs (NM_001172435.2); short protein forms H171fs.
Identifiers: ClinVar variation 4293983 (VCV004293983.1).

ClinVar aggregate classification (germline): Pathogenic (1 of 4 stars; one submission).

Conditions:
RAB3GAP1-related disorder. Also called: RAB3GAP1-related condition; RAB3GAP1-related disorders.

Submission:

3billion
Classification: Pathogenic for RAB3GAP1-related disorder. Last evaluated: 2024-06-28. Review status: criteria provided, single submitter. Criteria: ACMG Guidelines, 2015. Collection method: clinical testing. Allele origin: germline. Affected: yes.
Comment: The variant is not observed in the gnomAD v4.0.0 dataset. Predicted Consequence/Location: Frameshift: predicted to result in a loss or disruption of normal protein function through nonsense-mediated decay (NMD) or protein truncation. Multiple pathogenic variants are reported downstream of the variant. The variant has been reported to be associated with RAB3GAP1-related disorder (PMID: 32740904). Therefore, this variant is classified as Pathogenic according to the recommendation of ACMG/AMP guideline.

Literature cited by the submitters: PubMed 32740904.